The following is an entry in ClinVar:

ClinVar aggregate classification (germline): Uncertain significance (1 of 4 stars; one submission).

gnomAD v4.1: 2 of 1,600,078 alleles (0.00012%); highest among the groups gnomAD compares: East Asian, 0.0022%; no homozygotes.

Submission:

Labcorp Genetics (formerly Invitae), Labcorp
Classification: Uncertain significance. Last evaluated: 2025-11-22. Review status: criteria provided, single submitter. Criteria: Invitae Variant Classification Sherloc (09022015). Collection method: clinical testing. Allele origin: germline.
Comment: This sequence change replaces valine, which is neutral and non-polar, with methionine, which is neutral and non-polar, at codon 469 of the CDKL2 protein (p.Val469Met). This variant is present in population databases (no rsID available, gnomAD 0.006%). This variant has not been reported in the literature in individuals affected with CDKL2-related conditions. An algorithm developed to predict the effect of missense changes on protein structure and function outputs the following: PolyPhen-2: "Benign". The methionine amino acid residue is found in multiple mammalian species, which suggests that this missense change does not adversely affect protein function. In summary, the available evidence is currently insufficient to determine the role of this variant in disease. Therefore, it has been classified as a Variant of Uncertain Significance.

NM_001330724.2(CDKL2):c.1405G>A (p.Val469Met)

Gene: CDKL2 (cyclin dependent kinase like 2; minus strand). Cytogenetic location: 4q21.1.
Variant type: single nucleotide variant.
Coding change: c.1405G>A on transcript NM_001330724.2 (MANE Select); coding-DNA position 1405, G replaced by A.
Protein change: p.Val469Met; replaces valine 469 with methionine.
Molecular consequence: missense variant.
Genome position (GRCh38, 1-based): chr4:75,596,258, C>T on the plus strand (G>A on the coding strand, the complement: CDKL2 is on the minus strand). VCF-style: chr4-75596258-C-T. GRCh37 (hg19) VCF-style: chr4-76521442-C-T.
Other names: c.1405G>A, p.Val469Met (NM_003948.5); short protein forms V469M.
Identifiers: ClinVar variation 4711078 (VCV004711078.1).
Genomic context (GRCh38, chr4:75,596,258, plus strand): 5'-TAGAGCTGACTGGTGTTTGCTCTTCTACTACTGAGAACTGCTTACTTACTAATGTGGTCA[C>T]ATTAATGTTATAAATGCCTGATGGGGAATGTCTGTTCGGTTTAACAAATGGAATAGAACA-3'
Protein context (NP_001317653.1, residues 459-479): HSPSGIYNIN[Val469Met]TTLVSSEKNL